The following is an entry in ClinVar:

NM_001303.4(COX10):c.-24G>A

Gene: COX10 (cytochrome c oxidase assembly factor heme A:farnesyltransferase COX10; plus strand). Cytogenetic location: 17p12.
Variant type: single nucleotide variant.
Coding change: c.-24G>A on transcript NM_001303.4 (MANE Select); 24 bases upstream of the start codon, G replaced by A.
Molecular consequence: 5 prime UTR variant.
Genome position (GRCh38, 1-based): chr17:14,069,582, G>A. VCF-style: chr17-14069582-G-A. GRCh37 (hg19) VCF-style: chr17-13972899-G-A.
Identifiers: ClinVar variation 321809 (VCV000321809.6), dbSNP rs201257809, ClinGen allele CA8402192.

ClinVar aggregate classification (germline): Conflicting classifications of pathogenicity. Review status: criteria provided, conflicting classifications (1 of 4 stars). 3 submissions from 2 submitters: Uncertain significance (2); Likely benign (1). Last evaluated 2018-05-30.

Conditions:
Leigh syndrome (NULS). Also called: Leigh Disease; Subacute necrotizing encephalopathy; Necrotizing encephalopathy infantile subacute of Leigh; Leigh's necrotizing encephalopathy; Leigh's disease; Leigh's syndrome. Identifiers: Orphanet 506, MedGen C2931891, MONDO:0009723, OMIM 256000.
Mitochondrial complex IV deficiency, nuclear type 1 (MC4DN1). Also called: COX DEFICIENCY; Mitochondrial complex IV deficiency; Complex 4 mitochondrial respiratory chain deficiency; Deficiency of mitochondrial respiratory chain complex4; Complex IV deficiency. Identifiers: MedGen C5435656, MONDO:0700250, OMIM 220110. Disease mechanism: loss of function.

Allele frequency attached by ClinVar (database versions not stated): TOPMed 0.00004; gnomAD 0.00006 and 0.00009; ESP Exome Variant Server 0.00008; ExAC 0.00010; gnomAD exomes 0.00013 and 0.00016; 1000 Genomes Project 0.00020; 1000 Genomes Project 30x 0.00031.
gnomAD v4.1: 254 of 1,613,844 alleles (0.016%); highest among the groups gnomAD compares: South Asian, 0.076%; no homozygotes.

Submissions (3):

GeneDx
Classification: Likely benign. Last evaluated: 2018-05-30. Review status: criteria provided, single submitter. Criteria: GeneDx Variant Classification (06012015). Collection method: clinical testing. Allele origin: germline. Affected: yes.
Comment: This variant is considered likely benign or benign based on one or more of the following criteria: it is a conservative change, it occurs at a poorly conserved position in the protein, it is predicted to be benign by multiple in silico algorithms, and/or has population frequency not consistent with disease.

Illumina Laboratory Services, Illumina
Classification: Uncertain significance for Mitochondrial complex IV deficiency, nuclear type 1. Last evaluated: 2018-01-13. Review status: criteria provided, single submitter. Criteria: ICSL Variant Classification Criteria 13 December 2019. Collection method: clinical testing. Allele origin: germline.

Illumina Laboratory Services, Illumina
Classification: Uncertain significance for Leigh syndrome. Last evaluated: 2018-01-13. Review status: criteria provided, single submitter. Criteria: ICSL Variant Classification Criteria 13 December 2019. Collection method: clinical testing. Allele origin: germline.